The following is an entry in ClinVar:

NM_144687.4(NLRP12):c.1480T>C (p.Phe494Leu)

Gene: NLRP12 (NLR family pyrin domain containing 12; minus strand). Cytogenetic location: 19q13.42.
Variant type: single nucleotide variant.
Coding change: c.1480T>C on transcript NM_144687.4 (MANE Select); coding-DNA position 1480, T replaced by C.
Protein change: p.Phe494Leu; replaces phenylalanine 494 with leucine.
Molecular consequence: missense variant.
Genome position (GRCh38, 1-based): chr19:53,810,179, A>G on the plus strand (T>C on the coding strand, the complement: NLRP12 is on the minus strand). VCF-style: chr19-53810179-A-G. GRCh37 (hg19) VCF-style: chr19-54313433-A-G.
Other names: c.1480T>C, p.Phe494Leu (NM_001277126.2, NM_001277129.1); short protein forms F494L.
Identifiers: ClinVar variation 2883455 (VCV002883455.3), dbSNP rs2514337082, ClinGen allele CA407413369.

ClinVar aggregate classification (germline): Uncertain significance (1 of 4 stars; one submission).

Conditions:
Familial cold autoinflammatory syndrome 2 (FCAS2). Identifiers: Orphanet 247868, MedGen C2673198, MONDO:0012724, OMIM 611762.

gnomAD v4.1: 1 of 1,614,158 alleles (0.000062%); no homozygotes.

Submission:

Labcorp Genetics (formerly Invitae), Labcorp
Classification: Uncertain significance for Familial cold autoinflammatory syndrome 2. Last evaluated: 2025-10-19. Review status: criteria provided, single submitter. Criteria: Invitae Variant Classification Sherloc (09022015). Collection method: clinical testing. Allele origin: germline.
Comment: This sequence change replaces phenylalanine, which is neutral and non-polar, with leucine, which is neutral and non-polar, at codon 494 of the NLRP12 protein (p.Phe494Leu). This variant is not present in population databases (gnomAD no frequency). This variant has not been reported in the literature in individuals affected with NLRP12-related conditions. ClinVar contains an entry for this variant (Variation ID: 2883455). Invitae Evidence Modeling of protein sequence and biophysical properties (such as structural, functional, and spatial information, amino acid conservation, physicochemical variation, residue mobility, and thermodynamic stability) indicates that this missense variant is not expected to disrupt NLRP12 protein function with a negative predictive value of 80%. In summary, the available evidence is currently insufficient to determine the role of this variant in disease. Therefore, it has been classified as a Variant of Uncertain Significance.